The following is an entry in ClinVar:

ClinVar aggregate classification (germline): Likely pathogenic (1 of 4 stars; one submission).

Conditions:
FRAS1-related disorder. Also called: FRAS1-related condition.

Allele frequency attached by ClinVar (database versions not stated): gnomAD exomes below 0.00001.
gnomAD v4.1: 4 of 1,613,784 alleles (0.00025%); highest among the groups gnomAD compares: Non-Finnish European, 0.00034%; no homozygotes.

Submission:

PreventionGenetics, part of Exact Sciences
Classification: Likely pathogenic for FRAS1-related condition. Last evaluated: 2023-08-22. Review status: criteria provided, single submitter. Criteria: ACMG Guidelines, 2015. Collection method: clinical testing. Allele origin: germline.
Comment: The FRAS1 c.11284A>T variant is predicted to result in premature protein termination (p.Arg3762*). To our knowledge, this variant has not been reported in the literature or in a large population database, indicating this variant is rare. Nonsense variants in FRAS1 are expected to be pathogenic. This variant is interpreted as likely pathogenic.

NM_025074.7(FRAS1):c.11284A>T (p.Arg3762Ter)

Gene: FRAS1 (Fraser extracellular matrix complex subunit 1; plus strand). Cytogenetic location: 4q21.21.
Variant type: single nucleotide variant.
Coding change: c.11284A>T on transcript NM_025074.7 (MANE Select); coding-DNA position 11284, A replaced by T.
Protein change: p.Arg3762Ter; replaces arginine 3762 with a stop codon.
Molecular consequence: nonsense.
Genome position (GRCh38, 1-based): chr4:78,537,186, A>T. VCF-style: chr4-78537186-A-T. GRCh37 (hg19) VCF-style: chr4-79458340-A-T.
Other names: short protein forms R3762*.
Identifiers: ClinVar variation 2630738 (VCV002630738.1), dbSNP rs2475851664, ClinGen allele CA357400104.